The following is an entry in ClinVar:

ClinVar aggregate classification (germline): Uncertain significance (1 of 4 stars; one submission).

gnomAD v4.1: 1 of 1,614,116 alleles (0.000062%); highest among the groups gnomAD compares: Non-Finnish European, 0.000085%; no homozygotes.

Submission:

Labcorp Genetics (formerly Invitae), Labcorp
Classification: Uncertain significance. Last evaluated: 2024-11-11. Review status: criteria provided, single submitter. Criteria: Invitae Variant Classification Sherloc (09022015). Collection method: clinical testing. Allele origin: germline.
Comment: This sequence change replaces serine, which is neutral and polar, with proline, which is neutral and non-polar, at codon 5409 of the HMCN1 protein (p.Ser5409Pro). This variant is not present in population databases (gnomAD no frequency). This variant has not been reported in the literature in individuals affected with HMCN1-related conditions. An algorithm developed to predict the effect of missense changes on protein structure and function (PolyPhen-2) suggests that this variant is likely to be tolerated. In summary, the available evidence is currently insufficient to determine the role of this variant in disease. Therefore, it has been classified as a Variant of Uncertain Significance.

NM_031935.3(HMCN1):c.16225T>C (p.Ser5409Pro)

Gene: HMCN1 (hemicentin 1; plus strand). Cytogenetic location: 1q31.1.
Variant type: single nucleotide variant.
Coding change: c.16225T>C on transcript NM_031935.3 (MANE Select); coding-DNA position 16225, T replaced by C.
Protein change: p.Ser5409Pro; replaces serine 5409 with proline.
Molecular consequence: missense variant.
Genome position (GRCh38, 1-based): chr1:186,178,697, T>C. VCF-style: chr1-186178697-T-C. GRCh37 (hg19) VCF-style: chr1-186147829-T-C.
Other names: short protein forms S5409P.
Identifiers: ClinVar variation 3615348 (VCV003615348.2).